The following is an entry in ClinVar:

ClinVar aggregate classification (germline): Benign. Review status: criteria provided, multiple submitters, no conflicts (2 of 4 stars). 2 submissions from 2 submitters: Benign (2). Last evaluated 2018-06-15.

Allele frequency attached by ClinVar (database versions not stated): TOPMed 0.36040; gnomAD 0.36058 and 0.36875; gnomAD exomes 0.38193; 1000 Genomes Project 30x 0.41755; 1000 Genomes Project 0.42851.
gnomAD v4.1: 272,714 of 719,904 alleles (38%); highest among the groups gnomAD compares: East Asian, 57%; 54,333 homozygotes.

Submissions (2):

GeneDx
Classification: Benign. Last evaluated: 2018-06-15. Review status: criteria provided, single submitter. Criteria: GeneDx Variant Classification (06012015). Collection method: clinical testing. Allele origin: germline. Affected: yes.
Comment: This variant is considered likely benign or benign based on one or more of the following criteria: it is a conservative change, it occurs at a poorly conserved position in the protein, it is predicted to be benign by multiple in silico algorithms, and/or has population frequency not consistent with disease.

Breakthrough Genomics
Classification: Benign. Review status: criteria provided, single submitter. Criteria: ACMG Guidelines, 2015. Collection method: not provided. Allele origin: germline. Inheritance: Autosomal dominant inheritance. Affected: yes.

NM_003072.5(SMARCA4):c.3168+131C>T

Gene: SMARCA4 (SWI/SNF related BAF chromatin remodeling complex subunit ATPase 4; plus strand). Cytogenetic location: 19p13.2.
Variant type: single nucleotide variant.
Coding change: c.3168+131C>T on transcript NM_003072.5 (MANE Select); 131 bases into the intron after coding-DNA position 3168, C replaced by T.
Molecular consequence: intron variant.
Genome position (GRCh38, 1-based): chr19:11,025,639, C>T. VCF-style: chr19-11025639-C-T. GRCh37 (hg19) VCF-style: chr19-11136315-C-T.
Other names: c.3168+131C>T (NM_001128844.3, NM_001128849.3, NM_001128847.4 and 5 more transcripts).
Identifiers: ClinVar variation 676519 (VCV000676519.2), dbSNP rs2075022, ClinGen allele CA14635558.